The following is an entry in ClinVar:

ClinVar aggregate classification (germline): Uncertain significance (1 of 4 stars; one submission).

Submission:

Labcorp Genetics (formerly Invitae), Labcorp
Classification: Uncertain significance. Last evaluated: 2024-07-22. Review status: criteria provided, single submitter. Criteria: Invitae Variant Classification Sherloc (09022015). Collection method: clinical testing. Allele origin: germline.
Comment: This sequence change replaces asparagine, which is neutral and polar, with threonine, which is neutral and polar, at codon 572 of the DCHS1 protein (p.Asn572Thr). This variant is not present in population databases (gnomAD no frequency). This variant has not been reported in the literature in individuals affected with DCHS1-related conditions. Advanced modeling of protein sequence and biophysical properties (such as structural, functional, and spatial information, amino acid conservation, physicochemical variation, residue mobility, and thermodynamic stability) performed at Invitae indicates that this missense variant is not expected to disrupt DCHS1 protein function with a negative predictive value of 80%. In summary, the available evidence is currently insufficient to determine the role of this variant in disease. Therefore, it has been classified as a Variant of Uncertain Significance.

NM_003737.4(DCHS1):c.1715A>C (p.Asn572Thr)

Gene: DCHS1 (dachsous cadherin-related 1; minus strand). Cytogenetic location: 11p15.4.
Variant type: single nucleotide variant.
Coding change: c.1715A>C on transcript NM_003737.4 (MANE Select); coding-DNA position 1715, A replaced by C.
Protein change: p.Asn572Thr; replaces asparagine 572 with threonine.
Molecular consequence: missense variant.
Genome position (GRCh38, 1-based): chr11:6,639,899, T>G on the plus strand (A>C on the coding strand, the complement: DCHS1 is on the minus strand). VCF-style: chr11-6639899-T-G. GRCh37 (hg19) VCF-style: chr11-6661130-T-G.
Other names: short protein forms N572T.
Identifiers: ClinVar variation 2701367 (VCV002701367.3), dbSNP rs2493839983, ClinGen allele CA379430138.
Genomic context (GRCh38, chr11:6,639,899, plus strand): 5'-TGGGTGCCCTCAGGCAGTGAGGCATTGTAGAAAGTCCTCTGGAATTGGGGCTCATTATCA[T>G]TCACATCTTGCAGGGCCACGCTAACTGTGGCAGAGGAGGCTAGAGGGGGCAGGCCACCAT-3'
Protein context (NP_003728.1, residues 562-582): ATVSVALQDV[Asn572Thr]DNEPQFQRTF